The following is an entry in ClinVar:

NM_003068.5(SNAI2):c.296_303del (p.His99fs)

Gene: SNAI2 (snail family transcriptional repressor 2; minus strand). Cytogenetic location: 8q11.21.
Variant type: Deletion.
Coding change: c.296_303del on transcript NM_003068.5 (MANE Select); coding-DNA positions 296 to 303, 8 bases deleted (ACAGTGGC; older notation c.296_303delACAGTGGC).
Protein change: p.His99fs; shifts the reading frame from histidine 99.
Molecular consequence: frameshift variant.
Genome position (GRCh38, 1-based): chr8:48,920,218-48,920,225, GCCACTGT deleted on the plus strand (ACAGTGGC on the coding strand, the reverse complement: SNAI2 is on the minus strand); deleting any 8 consecutive bases within chr8:48,920,218-48,920,226 gives the same sequence; the c. name uses the placement nearest the transcript's 3' end. VCF-style (leftmost placement, unchanged base first): chr8-48920217-AGCCACTGT-A. GRCh37 (hg19) VCF-style: chr8-49832776-AGCCACTGT-A.
Other names: short protein forms H99fs.
Identifiers: ClinVar variation 5001181 (VCV005001181.1).

ClinVar aggregate classification (germline): Uncertain significance (1 of 4 stars; one submission).

Conditions:
SNAI2-related disorder. Also called: SNAI2-related condition.

Submission:

PreventionGenetics, part of Exact Sciences
Classification: Uncertain significance for SNAI2-related condition. Last evaluated: 2024-12-06. Review status: criteria provided, single submitter. Criteria: ACMG Guidelines, 2015. Collection method: clinical testing. Allele origin: germline.
Comment: The SNAI2 c.296_303del8 variant is predicted to result in a frameshift and premature protein termination (p.His99Leufs*6). To our knowledge, this variant has not been reported in the literature or in a large population database (gnomAD), indicating this variant is rare. While this gene is predicted to be intolerant of loss of function variants, none have been conclusively been associated with disease. At this time, the clinical significance of this variant is uncertain due to the absence of conclusive functional and genetic evidence.